The following is an entry in ClinVar:

NM_000486.6(AQP2):c.*232G>C

Genes: AQP2 (aquaporin 2; plus strand), AQP5-AS1 (AQP5 and AQP2 antisense RNA 2; minus strand). Cytogenetic location: 12q13.12.
Variant type: single nucleotide variant.
Coding change: c.*232G>C on transcript NM_000486.6 (MANE Select); 232 bases downstream of the stop codon, G replaced by C.
Molecular consequence: 3 prime UTR variant.
Genome position (GRCh38, 1-based): chr12:49,955,840, G>C. VCF-style: chr12-49955840-G-C. GRCh37 (hg19) VCF-style: chr12-50349623-G-C.
Identifiers: ClinVar variation 309239 (VCV000309239.5), dbSNP rs557903887, ClinGen allele CA6559377.

ClinVar aggregate classification (germline): Likely benign (1 of 4 stars; one submission).

Conditions:
Diabetes insipidus, nephrogenic, autosomal (NDI2). Also called: Nephrogenic Diabetes Insipidus, Type II; Diabetes insipidus, nephrogenic, 2, autosomal. Identifiers: Orphanet 223, MedGen C1563706, MONDO:0007451, OMIM 125800.

Allele frequency attached by ClinVar (database versions not stated): ExAC 0.00020; gnomAD 0.00046; 1000 Genomes Project 0.00060; gnomAD exomes 0.00061 and 0.00065; TOPMed 0.00064; 1000 Genomes Project 30x 0.00078.
gnomAD v4.1: 405 of 685,880 alleles (0.059%); highest among the groups gnomAD compares: East Asian, 0.18%; no homozygotes.

Submission:

Illumina Laboratory Services, Illumina
Classification: Likely benign for Diabetes insipidus, nephrogenic, autosomal. Last evaluated: 2018-01-12. Review status: criteria provided, single submitter. Criteria: ICSL Variant Classification Criteria 13 December 2019. Collection method: clinical testing. Allele origin: germline.
Comment: This variant was observed in the ICSL laboratory as part of a predisposition screen in an ostensibly healthy population. It had not been previously curated by ICSL or reported in the Human Gene Mutation Database (HGMD: prior to June 1st, 2018), and was therefore a candidate for classification through an automated scoring system. Utilizing variant allele frequency, disease prevalence and penetrance estimates, and inheritance mode, an automated score was calculated to assess if this variant is too frequent to cause the disease. Based on the score and internal cut-off values, a variant classified as likely benign is not then subjected to further curation. The score for this variant resulted in a classification of likely benign for this disease.